The following is an entry in ClinVar:

ClinVar aggregate classification (germline): Conflicting classifications of pathogenicity. Review status: criteria provided, conflicting classifications (1 of 4 stars). 2 submissions from 2 submitters: Uncertain significance (1); Likely benign (1). Last evaluated 2025-10-29.

Conditions:
Melanoma, cutaneous malignant, susceptibility to, 5. Also called: Cutaneous malignant melanoma 5. Identifiers: Orphanet 618, MedGen C2751295, MONDO:0013133, OMIM 613099.

Submissions (2):

Labcorp Genetics (formerly Invitae), Labcorp
Classification: Uncertain significance for Melanoma, cutaneous malignant, susceptibility to, 5. Last evaluated: 2025-10-29. Review status: criteria provided, single submitter. Criteria: Invitae Variant Classification Sherloc (09022015). Collection method: clinical testing. Allele origin: germline.
Comment: This sequence change affects codon 248 of the MC1R mRNA. It is a 'silent' change, meaning that it does not change the encoded amino acid sequence of the MC1R protein. This variant is not present in population databases (gnomAD no frequency). This variant has not been reported in the literature in individuals affected with MC1R-related conditions. ClinVar contains an entry for this variant (Variation ID: 3543989). In summary, the available evidence is currently insufficient to determine the role of this variant in disease. Therefore, it has been classified as a Variant of Uncertain Significance.

Ambry Genetics
Classification: Likely benign. Last evaluated: 2024-12-06. Review status: criteria provided, single submitter. Criteria: Ambry Variant Classification Scheme 2023. Collection method: clinical testing. Allele origin: germline.

NM_002386.4(MC1R):c.744C>T (p.Gly248=)

Gene: MC1R (melanocortin 1 receptor; plus strand). Cytogenetic location: 16q24.3.
Variant type: single nucleotide variant.
Coding change: c.744C>T on transcript NM_002386.4 (MANE Select); coding-DNA position 744, C replaced by T.
Protein change: p.Gly248=; no amino-acid change (glycine 248 retained).
Molecular consequence: synonymous variant.
Genome position (GRCh38, 1-based): chr16:89,920,002, C>T. VCF-style: chr16-89920002-C-T. GRCh37 (hg19) VCF-style: chr16-89986410-C-T.
Identifiers: ClinVar variation 3543989 (VCV003543989.2).